The following is an entry in ClinVar:

NM_001365536.1(SCN9A):c.358A>G (p.Ile120Val)

Gene: SCN9A (sodium voltage-gated channel alpha subunit 9; minus strand). Cytogenetic location: 2q24.3.
Variant type: single nucleotide variant.
Coding change: c.358A>G on transcript NM_001365536.1 (MANE Select); coding-DNA position 358, A replaced by G.
Protein change: p.Ile120Val; replaces isoleucine 120 with valine.
Molecular consequence: missense variant.
Genome position (GRCh38, 1-based): chr2:166,306,975, T>C on the plus strand (A>G on the coding strand, the complement: SCN9A is on the minus strand). VCF-style: chr2-166306975-T-C. GRCh37 (hg19) VCF-style: chr2-167163485-T-C.
Other names: c.358A>G, p.Ile120Val (NM_002977.4); short protein forms I120V.
Identifiers: ClinVar variation 664408 (VCV000664408.9), dbSNP rs201217172, ClinGen allele CA59809470.

ClinVar aggregate classification (germline): Uncertain significance (1 of 4 stars; one submission).

Conditions:
Generalized epilepsy with febrile seizures plus, type 7 (GEFSP7). Also called: GEFS+, TYPE 7. Identifiers: Orphanet 36387, MedGen C2751778, MONDO:0013470, OMIM 613863.
Neuropathy, hereditary sensory and autonomic, type 2A (HSAN2A). Also called: WNK1-Related HSAN2 (HSAN2A); ACROOSTEOLYSIS, GIACCAI TYPE; ACROOSTEOLYSIS, NEUROGENIC; NEUROPATHY, HEREDITARY SENSORY, TYPE IIA; NEUROPATHY, PROGRESSIVE SENSORY, OF CHILDREN; HSAN IIA. Identifiers: Orphanet 970, MedGen C2752089, MONDO:0024309, OMIM 201300.

Allele frequency attached by ClinVar (database versions not stated): gnomAD exomes below 0.00001.
gnomAD v4.1: 4 of 1,588,776 alleles (0.00025%); highest among the groups gnomAD compares: Non-Finnish European, 0.00035%; no homozygotes.

Submission:

Labcorp Genetics (formerly Invitae), Labcorp
Classification: Uncertain significance for Neuropathy, hereditary sensory and autonomic, type 2A; Generalized epilepsy with febrile seizures plus, type 7. Last evaluated: 2024-08-07. Review status: criteria provided, single submitter. Criteria: Invitae Variant Classification Sherloc (09022015). Collection method: clinical testing. Allele origin: germline.
Comment: This sequence change replaces isoleucine, which is neutral and non-polar, with valine, which is neutral and non-polar, at codon 120 of the SCN9A protein (p.Ile120Val). This variant is not present in population databases (gnomAD no frequency). This variant has not been reported in the literature in individuals affected with SCN9A-related conditions. ClinVar contains an entry for this variant (Variation ID: 664408). Advanced modeling of protein sequence and biophysical properties (such as structural, functional, and spatial information, amino acid conservation, physicochemical variation, residue mobility, and thermodynamic stability) has been performed at Invitae for this missense variant, however the output from this modeling did not meet the statistical confidence thresholds required to predict the impact of this variant on SCN9A protein function. In summary, the available evidence is currently insufficient to determine the role of this variant in disease. Therefore, it has been classified as a Variant of Uncertain Significance.